The following is an entry in ClinVar:

ClinVar aggregate classification (germline): Pathogenic (1 of 4 stars; one submission).

Conditions:
Neurofibromatosis, type 1 (NF1). Also called: Neurofibromatosis, type I; VON RECKLINGHAUSEN DISEASE; NEUROFIBROMATOSIS, TYPE I, SOMATIC; Peripheral type neurofibromatosis. Identifiers: Orphanet 636, MedGen C0027831, MONDO:0018975, OMIM 162200. Disease mechanism: loss of function.

Submission:

Servicio de Genética Del Instituto Nacional de Salud Del Niño, Ministerio de Salud
Classification: Pathogenic for Neurofibromatosis, type 1. Last evaluated: 2024-11-18. Review status: criteria provided, single submitter. Criteria: ACMG Guidelines, 2015. Collection method: clinical testing. Allele origin: germline. Inheritance: Autosomal dominant inheritance. Affected: yes.
Comment: The variant NM_001042492.3:c.4284delT (p.Asp1428Glufs*12) causes a frameshift at codon 1428, leading to a premature stop codon 12 amino acids downstream (p.Asp1428Glufs*12). This is predicted to result in a truncated protein or nonsense-mediated decay (NMD). According to ACMG/AMP guidelines, this variant meets the criteria for PVS1 and PM2, supporting its classification as pathogenic

NM_001042492.3(NF1):c.4284del (p.Asp1428fs)

Gene: NF1 (neurofibromin 1; plus strand). Cytogenetic location: 17q11.2.
Variant type: Deletion.
Coding change: c.4284del on transcript NM_001042492.3 (MANE Select); coding-DNA position 4284, one base deleted (T; older notation c.4284delT).
Protein change: p.Asp1428fs; shifts the reading frame from aspartic acid 1428.
Molecular consequence: frameshift variant.
Genome position (GRCh38, 1-based): chr17:31,258,454, T deleted. VCF-style (leftmost placement, unchanged base first): chr17-31258453-AT-A. GRCh37 (hg19) VCF-style: chr17-29585471-AT-A.
Other names: c.4284delT (NM_001042492.3); c.4221delT, p.Asp1407Glufs (NM_000267.4); short protein forms D1407fs, D1428fs.
Identifiers: ClinVar variation 3381224 (VCV003381224.2).